The following is an entry in ClinVar:

ClinVar aggregate classification (germline): Uncertain significance (1 of 4 stars; one submission).

Allele frequency attached by ClinVar (database versions not stated): TOPMed 0.00001.

Submission:

Labcorp Genetics (formerly Invitae), Labcorp
Classification: Uncertain significance. Last evaluated: 2025-06-30. Review status: criteria provided, single submitter. Criteria: Invitae Variant Classification Sherloc (09022015). Collection method: clinical testing. Allele origin: germline.
Comment: This sequence change replaces proline, which is neutral and non-polar, with leucine, which is neutral and non-polar, at codon 691 of the TNNI3K protein (p.Pro691Leu). This variant is not present in population databases (gnomAD no frequency). This variant has not been reported in the literature in individuals affected with TNNI3K-related conditions. ClinVar contains an entry for this variant (Variation ID: 2968960). Invitae Evidence Modeling of protein sequence and biophysical properties (such as structural, functional, and spatial information, amino acid conservation, physicochemical variation, residue mobility, and thermodynamic stability) indicates that this missense variant is expected to disrupt TNNI3K protein function with a positive predictive value of 80%. In summary, the available evidence is currently insufficient to determine the role of this variant in disease. Therefore, it has been classified as a Variant of Uncertain Significance.

NM_015978.3(TNNI3K):c.2072C>T (p.Pro691Leu)

Genes: FPGT-TNNI3K (FPGT-TNNI3K readthrough; plus strand), TNNI3K (TNNI3 interacting kinase; plus strand). Cytogenetic location: 1p31.1.
Variant type: single nucleotide variant.
Coding change: c.2072C>T on transcript NM_015978.3 (MANE Select); coding-DNA position 2072, C replaced by T.
Protein change: p.Pro691Leu; replaces proline 691 with leucine.
Molecular consequence: missense variant.
Genome position (GRCh38, 1-based): chr1:74,463,501, C>T. VCF-style: chr1-74463501-C-T. GRCh37 (hg19) VCF-style: chr1-74929185-C-T.
Other names: c.2375C>T, p.Pro792Leu (NM_001112808.3, NM_001199327.2); short protein forms P691L, P792L.
Identifiers: ClinVar variation 2968960 (VCV002968960.3), dbSNP rs896846439, ClinGen allele CA24555706.